The following is an entry in ClinVar:

NM_000179.3(MSH6):c.3184T>G (p.Cys1062Gly)

Gene: MSH6 (mutS homolog 6; plus strand). Cytogenetic location: 2p16.3.
Variant type: single nucleotide variant.
Coding change: c.3184T>G on transcript NM_000179.3 (MANE Select); coding-DNA position 3184, T replaced by G.
Protein change: p.Cys1062Gly; replaces cysteine 1062 with glycine.
Molecular consequence: missense variant. On other transcripts: non-coding transcript variant (5), intron variant (1), 5 prime UTR variant (1).
Genome position (GRCh38, 1-based): chr2:47,803,431, T>G. VCF-style: chr2-47803431-T-G. GRCh37 (hg19) VCF-style: chr2-48030570-T-G.
Other names: c.3173-163T>G (NM_001406798.1); c.2794T>G, p.Cys932Gly (NM_001281492.2); c.2278T>G, p.Cys760Gly (NM_001281493.2, NM_001281494.2, NM_001406811.1 and 6 more transcripts); c.3280T>G, p.Cys1094Gly (NM_001406795.1, NM_001406802.1); c.3184T>G, p.Cys1062Gly (NM_001406796.1, NM_001406800.1, NM_001406808.1 and 1 more transcripts); c.2887T>G, p.Cys963Gly (NM_001406797.1, NM_001406801.1, NM_001406805.1 and 10 more transcripts); c.2659T>G, p.Cys887Gly (NM_001406799.1, NM_001406806.1, NM_001406807.1); c.2320T>G, p.Cys774Gly (NM_001406803.1); and 7 more; short protein forms C1006G, C1036G, C1062G, C1064G, C1094G, C11G, C377G, C540G.
Identifiers: ClinVar variation 3893942 (VCV003893942.1).
Genomic context (GRCh38, chr2:47,803,431, plus strand): 5'-ATAAAACCCCCAAACGATGAAGCCTCACTTTTACCCTCTCTTTTAACAGATGTTTTACTG[T>G]GCCTGGCTAACTATAGTCGAGGGGGTGATGGTCCTATGTGTCGCCCAGTAATTCTGTTGC-3'
Protein context (NP_000170.1, residues 1052-1072): ECIAVLDVLL[Cys1062Gly]LANYSRGGDG

ClinVar aggregate classification (germline): Uncertain significance (1 of 4 stars; one submission).

Conditions:
Hereditary cancer-predisposing syndrome. Also called: Neoplastic Syndromes, Hereditary; Tumor predisposition; Hereditary Cancer Syndrome; Hereditary neoplastic syndrome. Identifiers: Orphanet 140162, MedGen C0027672, MeSH D009386, MONDO:0015356.

Submission:

Color Diagnostics, LLC DBA Color Health
Classification: Uncertain significance for Hereditary cancer-predisposing syndrome. Last evaluated: 2024-06-24. Review status: criteria provided, single submitter. Criteria: ACMG Guidelines, 2015. Collection method: clinical testing. Allele origin: germline.
Comment: This missense variant replaces cysteine with glycine at codon 1062 of the MSH6 protein. Computational prediction suggests that this variant may not impact protein structure and function (internally defined REVEL score threshold <= 0.5, PMID: 27666373). To our knowledge, functional studies have not been reported for this variant. This variant has not been reported in individuals affected with MSH6-related disorders in the literature. This variant has not been identified in the general population by the Genome Aggregation Database (gnomAD). The available evidence is insufficient to determine the role of this variant in disease conclusively. Therefore, this variant is classified as a Variant of Uncertain Significance.